The following is an entry in ClinVar:

ClinVar aggregate classification (germline): Pathogenic/Likely pathogenic. Review status: criteria provided, multiple submitters, no conflicts (2 of 4 stars). 3 submissions from 3 submitters: Pathogenic (2); Likely pathogenic (1). Last evaluated 2026-04-28.

Conditions:
Inborn genetic diseases. Identifiers: MedGen C0950123, MeSH D030342.

Allele frequency attached by ClinVar (database versions not stated): gnomAD 0.00001; TOPMed below 0.00001.

Submissions (3):

Ambry Genetics
Classification: Pathogenic for Inborn genetic diseases. Last evaluated: 2026-04-28. Review status: criteria provided, single submitter. Criteria: Ambry Variant Classification Scheme 2023. Collection method: clinical testing. Allele origin: germline.
Comment: The c.427C>T (p.R143*) alteration, located in exon 6 (coding exon 6) of the ASXL1 gene, consists of a C to T substitution at nucleotide position 427. This changes the amino acid from a arginine (R) to a stop codon at amino acid position 143. This variant is expected to result in loss of function by premature protein truncation or nonsense-mediated mRNA decay. This variant was not reported in population-based cohorts in the Genome Aggregation Database (gnomAD). This variant was reported in individual(s) with features consistent with Bohring-Opitz syndrome (external communication). Based on the available evidence, this alteration is classified as pathogenic.

GeneDx
Classification: Likely pathogenic. Last evaluated: 2023-01-04. Review status: criteria provided, single submitter. Criteria: GeneDx Variant Classification Process June 2021. Collection method: clinical testing. Allele origin: germline. Affected: yes.
Comment: Nonsense variant predicted to result in protein truncation or nonsense mediated decay in a gene for which loss of function is a known mechanism of disease; Not observed at significant frequency in large population cohorts (gnomAD); Has not been previously published as pathogenic or benign to our knowledge

Labcorp Genetics (formerly Invitae), Labcorp
Classification: Pathogenic. Last evaluated: 2022-10-28. Review status: criteria provided, single submitter. Criteria: Invitae Variant Classification Sherloc (09022015). Collection method: clinical testing. Allele origin: germline.
Comment: This variant has not been reported in the literature in individuals affected with ASXL1-related conditions. This sequence change creates a premature translational stop signal (p.Arg143*) in the ASXL1 gene. It is expected to result in an absent or disrupted protein product. Loss-of-function variants in ASXL1 are known to be pathogenic (PMID: 21706002). This variant is not present in population databases (gnomAD no frequency). ClinVar contains an entry for this variant (Variation ID: 1684113). For these reasons, this variant has been classified as Pathogenic.

Literature cited by the submitters: PubMed 21706002 (cited by Labcorp Genetics (formerly Invitae), Labcorp).

NM_015338.6(ASXL1):c.427C>T (p.Arg143Ter)

Gene: ASXL1 (ASXL transcriptional regulator 1; plus strand). Cytogenetic location: 20q11.21.
Variant type: single nucleotide variant.
Coding change: c.427C>T on transcript NM_015338.6 (MANE Select); coding-DNA position 427, C replaced by T.
Protein change: p.Arg143Ter; replaces arginine 143 with a stop codon.
Molecular consequence: nonsense.
Genome position (GRCh38, 1-based): chr20:32,428,378, C>T. VCF-style: chr20-32428378-C-T. GRCh37 (hg19) VCF-style: chr20-31016181-C-T.
Other names: c.397C>T, p.Arg133Ter (NM_001363734.1); short protein forms R133*, R143*.
Identifiers: ClinVar variation 1684113 (VCV001684113.6), dbSNP rs1179121574, ClinGen allele CA408551950.